The following is an entry in ClinVar:

ClinVar aggregate classification (germline): Benign/Likely benign. Review status: criteria provided, multiple submitters, no conflicts (2 of 4 stars). 4 submissions from 4 submitters: Benign (2); Likely benign (2). Last evaluated 2024-11-21.

Allele frequency attached by ClinVar (database versions not stated): 1000 Genomes Project 0.00220; 1000 Genomes Project 30x 0.00234; gnomAD 0.00253 and 0.00259; ESP Exome Variant Server 0.00254; ExAC 0.00259; TOPMed 0.00289.
gnomAD v4.1: 5,992 of 1,614,086 alleles (0.37%); highest among the groups gnomAD compares: Non-Finnish European, 0.45%; 11 homozygotes.

Submissions (4):

Blueprint Genetics
Classification: Likely benign. Last evaluated: 2024-11-21. Review status: criteria provided, single submitter. Criteria: ACMG Guidelines, 2015. Collection method: clinical testing. Allele origin: germline.

CeGaT Center for Human Genetics Tuebingen
Classification: Likely benign. Last evaluated: 2022-07-01. Review status: criteria provided, single submitter. Criteria: CeGaT Center For Human Genetics Tuebingen Variant Classification Criteria Version 2. Collection method: clinical testing. Allele origin: germline. Affected: yes. Observed: 1 variant allele.
Comment: RBL2: BP4, BP7

Labcorp Genetics (formerly Invitae), Labcorp
Classification: Benign. Last evaluated: 2019-12-31. Review status: criteria provided, single submitter. Criteria: Invitae Variant Classification Sherloc (09022015). Collection method: clinical testing. Allele origin: germline.

Breakthrough Genomics
Classification: Benign. Review status: criteria provided, single submitter. Criteria: ACMG Guidelines, 2015. Collection method: not provided. Allele origin: germline. Inheritance: Autosomal recessive inheritance. Affected: yes.

NM_005611.4(RBL2):c.2556G>A (p.Arg852=)

Gene: RBL2 (RB transcriptional corepressor like 2; plus strand). Cytogenetic location: 16q12.2.
Variant type: single nucleotide variant.
Coding change: c.2556G>A on transcript NM_005611.4 (MANE Select); coding-DNA position 2556, G replaced by A.
Protein change: p.Arg852=; no amino-acid change (arginine 852 retained).
Molecular consequence: synonymous variant.
Genome position (GRCh38, 1-based): chr16:53,470,775, G>A. VCF-style: chr16-53470775-G-A. GRCh37 (hg19) VCF-style: chr16-53504687-G-A.
Other names: c.2556G>A, p.Arg852= (NM_001323609.2, NM_001323608.2); c.2409G>A, p.Arg803= (NM_001323610.2); c.2334G>A, p.Arg778= (NM_001323611.1).
Identifiers: ClinVar variation 782140 (VCV000782140.30), dbSNP rs144971281, ClinGen allele CA8056579.
Genomic context (GRCh38, chr16:53,470,775, plus strand): 5'-AAACAAAGTTTGAAATGTTTTTATCTCCTAGGTATACCATTTAGCAGCTGTCCGCCTTCG[G>A]GATCTCTGTGCCAAACTAGATATTTCAGATGAATTGAGGAAAAAAATCTGGACCTGCTTT-3'
Protein context (NP_005602.3, residues 842-862): KVYHLAAVRL[Arg852=]DLCAKLDISD